The following is an entry in ClinVar:

ClinVar aggregate classification (germline): Uncertain significance (1 of 4 stars; one submission).

Conditions:
Neuropathy, hereditary sensory and autonomic, type 2A (HSAN2A). Also called: HSAN IIA; WNK1-Related HSAN2 (HSAN2A); ACROOSTEOLYSIS, GIACCAI TYPE; ACROOSTEOLYSIS, NEUROGENIC; MORVAN DISEASE; NEUROPATHY, CONGENITAL SENSORY. Identifiers: Orphanet 970, MedGen C2752089, MONDO:0024309, OMIM 201300.
Pseudohypoaldosteronism type 2C (PHA2C). Also called: Pseudohypoaldosteronism Type IIC. Identifiers: Orphanet 757, Orphanet 88940, MedGen C1840391, MONDO:0013778, OMIM 614492.

Submission:

Labcorp Genetics (formerly Invitae), Labcorp
Classification: Uncertain significance for Neuropathy, hereditary sensory and autonomic, type 2A; Pseudohypoaldosteronism type 2C. Last evaluated: 2023-11-07. Review status: criteria provided, single submitter. Criteria: Invitae Variant Classification Sherloc (09022015). Collection method: clinical testing. Allele origin: germline.
Comment: This sequence change creates a premature translational stop signal (p.Pro756Serfs*15) in the WNK1 gene. However, it is currently unclear if variants that occur in this region of the gene cause disease. This variant is not present in population databases (gnomAD no frequency). This variant has not been reported in the literature in individuals affected with WNK1-related conditions. In summary, the available evidence is currently insufficient to determine the role of this variant in disease. Therefore, it has been classified as a Variant of Uncertain Significance.

NM_213655.5(WNK1):c.2264dup (p.Pro756fs)

Gene: WNK1 (WNK lysine deficient protein kinase 1; plus strand). Cytogenetic location: 12p13.33.
Variant type: Duplication.
Coding change: c.2264dup on transcript NM_213655.5 (MANE Plus Clinical); coding-DNA position 2264, one base duplicated (C; older notation c.2264dupC).
Protein change: p.Pro756fs; shifts the reading frame from proline 756.
Molecular consequence: frameshift variant. On other transcripts: intron variant (3).
Genome position (GRCh38, 1-based): chr12:865,234, C duplicated; the last of 3 consecutive C bases (chr12:865,232-865,234); duplicating any one gives the same sequence. VCF-style (leftmost placement, unchanged base first): chr12-865231-T-TC. GRCh37 (hg19) VCF-style: chr12-974397-T-TC.
Other names: c.2140-2632dup (NM_001184985.2); c.2139+2964dup (NM_018979.4, NM_014823.3); short protein forms P756fs.
Identifiers: ClinVar variation 2927254 (VCV002927254.3), dbSNP rs1162765615, ClinGen allele CA692931575.